The following is an entry in ClinVar:

ClinVar aggregate classification (germline): Likely benign. Review status: criteria provided, multiple submitters, no conflicts (2 of 4 stars). 2 submissions from 2 submitters: Likely benign (2). Last evaluated 2025-04-02.

Conditions:
Inborn genetic diseases. Identifiers: MedGen C0950123, MeSH D030342.
TRIO-related disorder. Also called: TRIO-related disorders; TRIO-related condition.

Allele frequency attached by ClinVar (database versions not stated): 1000 Genomes Project 0.00020; ESP Exome Variant Server 0.00023; 1000 Genomes Project 30x 0.00031.
gnomAD v4.1: 62 of 1,614,116 alleles (0.0038%); highest among the groups gnomAD compares: African/African-American, 0.075%; no homozygotes.

Submissions (2):

PreventionGenetics, part of Exact Sciences
Classification: Likely benign for TRIO-related condition. Last evaluated: 2025-04-02. Review status: criteria provided, single submitter. Criteria: ACMG Guidelines, 2015. Collection method: clinical testing. Allele origin: germline.
Comment: This variant is classified as likely benign based on ACMG/AMP sequence variant interpretation guidelines (Richards et al. 2015 PMID: 25741868, with internal and published modifications).

Ambry Genetics
Classification: Likely benign for Inborn genetic diseases. Last evaluated: 2021-08-13. Review status: criteria provided, single submitter. Criteria: Ambry Variant Classification Scheme 2023. Collection method: clinical testing. Allele origin: germline.

NM_007118.4(TRIO):c.8228C>A (p.Thr2743Lys)

Genes: TRIO (trio Rho guanine nucleotide exchange factor; plus strand), LOC126807323 (CDK7 strongly-dependent group 2 enhancer GRCh37_chr5:14497716-14498915; plus strand). Cytogenetic location: 5p15.2.
Variant type: single nucleotide variant.
Coding change: c.8228C>A on transcript NM_007118.4 (MANE Select); coding-DNA position 8228, C replaced by A.
Protein change: p.Thr2743Lys; replaces threonine 2743 with lysine.
Molecular consequence: missense variant. On other transcripts: non-coding transcript variant (1).
Genome position (GRCh38, 1-based): chr5:14,498,536, C>A. VCF-style: chr5-14498536-C-A. GRCh37 (hg19) VCF-style: chr5-14498645-C-A.
Other names: c.8228C>A (NM_007118.3); short protein forms T2743K.
Identifiers: ClinVar variation 2383937 (VCV002383937.3), dbSNP rs139314793, ClinGen allele CA3207797.